The following is an entry in ClinVar:

ClinVar aggregate classification (germline): Likely pathogenic (1 of 4 stars; one submission).

Submission:

GeneDx
Classification: Likely pathogenic. Last evaluated: 2016-05-31. Review status: criteria provided, single submitter. Criteria: GeneDx Variant Classification (06012015). Collection method: clinical testing. Allele origin: germline. Affected: yes.
Comment: The c.2668-2A>G variant in the RBM10 gene has not been reported previously as a pathogenic variant nor as a benign variant, to our knowledge. This splice site variant destroys the canonical splice acceptor site in intron 23, which is adjacent to the last exon. It is predicted to cause abnormal gene splicing, either leading to an abnormal message that is subject to nonsense-mediated mRNA decay, or to an abnormal protein product if the message is used for protein translation. The c.2668-2A>G variant was not observed in approximately 6500 individuals of European and African American ancestry in the NHLBI Exome Sequencing Project, indicating it is not a common benign variant in these populations. The c.2668-2A>G variant is a strong candidate for a pathogenic variant

NM_005676.5(RBM10):c.2668-2A>G

Gene: RBM10 (RNA binding motif protein 10; plus strand). Cytogenetic location: Xp11.3.
Variant type: single nucleotide variant.
Coding change: c.2668-2A>G on transcript NM_005676.5 (MANE Select); the canonical splice acceptor site of the intron before coding-DNA position 2668, A replaced by G.
Molecular consequence: splice acceptor variant.
Genome position (GRCh38, 1-based): chrX:47,186,472, A>G. VCF-style: chrX-47186472-A-G. GRCh37 (hg19) VCF-style: chrX-47045871-A-G.
Other names: c.2863-2A>G (NM_001204468.2); c.2665-2A>G (NM_001204467.2); c.2437-2A>G (NM_001204466.2); c.2434-2A>G (NM_152856.3).
Identifiers: ClinVar variation 432182 (VCV000432182.2), dbSNP rs1556782770, ClinGen allele CA412809888.